The following is an entry in ClinVar:

NM_022436.3(ABCG5):c.593G>A (p.Arg198Gln)

Genes: ABCG5 (ATP binding cassette subfamily G member 5; minus strand), DYNC2LI1 (dynein cytoplasmic 2 light intermediate chain 1; plus strand). Cytogenetic location: 2p21.
Variant type: single nucleotide variant.
Coding change: c.593G>A on transcript NM_022436.3 (MANE Select); coding-DNA position 593, G replaced by A.
Protein change: p.Arg198Gln; replaces arginine 198 with glutamine.
Molecular consequence: missense variant. On other transcripts: 3 prime UTR variant (2).
Genome position (GRCh38, 1-based): chr2:43,828,024, C>T on the plus strand (G>A on the coding strand, the complement: ABCG5 is on the minus strand). VCF-style: chr2-43828024-C-T. GRCh37 (hg19) VCF-style: chr2-44055163-C-T.
Other names: p.Arg198Gln; c.*654C>T (NM_001348912.2, NM_001348913.2); short protein forms R198Q.
Identifiers: ClinVar variation 284636 (VCV000284636.68), dbSNP rs141828689, ClinGen allele CA1636599.

ClinVar aggregate classification (germline): Conflicting classifications of pathogenicity. Review status: criteria provided, conflicting classifications (1 of 4 stars). 14 submissions from 14 submitters: Uncertain significance (9); Likely benign (2). 3 of the submissions do not count toward it. Last evaluated 2026-06-01.

Conditions:
ABCG5-related disorder. Also called: ABCG5-related condition.
Sitosterolemia 1. Identifiers: MedGen C2749759, MONDO:0020747, OMIM 210250.
Sitosterolemia 2. Identifiers: MedGen C5231453, MONDO:0020748, OMIM 618666.
Cardiovascular phenotype. Identifiers: MedGen CN230736.
Sitosterolemia (STSL). Also called: PHYTOSTEROLEMIA. Identifiers: Orphanet 2882, MedGen C0342907, MONDO:0008863.

Allele frequency attached by ClinVar (database versions not stated): gnomAD exomes 0.00124 and 0.00140; ExAC 0.00144; 1000 Genomes Project 30x 0.00031; 1000 Genomes Project 0.00040; TOPMed 0.00091; gnomAD 0.00107 and 0.00109; ESP Exome Variant Server 0.00108.
gnomAD v4.1: 2,202 of 1,614,134 alleles (0.14%); highest among the groups gnomAD compares: Non-Finnish European, 0.17%; 3 homozygotes.

Submissions (14):

CeGaT Center for Human Genetics Tuebingen
Classification: Likely benign. Last evaluated: 2026-06-01. Review status: criteria provided, single submitter. Criteria: CeGaT Center For Human Genetics Tuebingen Variant Classification Criteria Version 2. Collection method: clinical testing. Allele origin: germline. Affected: yes. Observed: 3 variant alleles.
Comment: ABCG5: BS2

Labcorp Genetics (formerly Invitae), Labcorp
Classification: Likely benign for Sitosterolemia. Last evaluated: 2026-02-01. Review status: criteria provided, single submitter. Criteria: Invitae Variant Classification Sherloc (09022015). Collection method: clinical testing. Allele origin: germline.

Women's Health and Genetics/Laboratory Corporation of America, LabCorp
Classification: Uncertain significance. Last evaluated: 2025-05-16. Review status: criteria provided, single submitter. Criteria: LabCorp Variant Classification Summary - May 2015. Collection method: clinical testing. Allele origin: germline.
Comment: Variant summary: ABCG5 c.593G>A (p.Arg198Gln) results in a conservative amino acid change located in the ABC transporter-like, ATP-binding domain (IPR003439) of the encoded protein sequence. Algorithms developed to predict the effect of missense changes on protein structure and function are either unavailable or do not agree on the potential impact of this missense change. The variant allele was found at a frequency of 0.0012 in 251200 control chromosomes. This frequency is not significantly higher than estimated for a pathogenic variant in ABCG5 causing Early Onset Coronary Artery Disease (0.0012 vs 0.005), allowing no conclusion about variant significance. c.593G>A has been reported in individuals affected with Hypercholesterolemias and Sitosterolemia (Lamiquiz-Moneo_2017, Dron_2020, Dong_2022,Toton-Zuranska_2023), without strong evidence for causality. These report(s) do not provide unequivocal conclusions about association of the variant with Early Onset Coronary Artery Disease. To our knowledge, no experimental evidence demonstrating an impact on protein function has been reported. The following publications have been ascertained in the context of this evaluation (PMID: 35460704, 32041611, 29066094, 36648309). ClinVar contains an entry for this variant (Variation ID: 284636). Based on the evidence outlined above, the variant was classified as uncertain significance.

Mayo Clinic Laboratories, Mayo Clinic
Classification: Uncertain significance. Last evaluated: 2025-03-10. Review status: criteria provided, single submitter. Criteria: ACMG Guidelines, 2015. Collection method: clinical testing. Allele origin: germline. Observed: 5 variant alleles.
Comment: PP3_moderate

Revvity Omics, Revvity
Classification: Uncertain significance for Sitosterolemia 2. Last evaluated: 2024-10-09. Review status: criteria provided, single submitter. Criteria: ACMG Guidelines, 2015. Collection method: clinical testing. Allele origin: germline.

Ambry Genetics
Classification: Uncertain significance for Cardiovascular phenotype. Last evaluated: 2023-05-25. Review status: criteria provided, single submitter. Criteria: Ambry Variant Classification Scheme 2023. Collection method: clinical testing. Allele origin: germline.
Comment: The p.R198Q variant (also known as c.593G>A), located in coding exon 5 of the ABCG5 gene, results from a G to A substitution at nucleotide position 593. The arginine at codon 198 is replaced by glutamine, an amino acid with highly similar properties. This alteration has been reported as heterozygous in familial hypercholesterolemia cohorts (Lamiquiz-Moneo I et al. J Clin Lipidol, 2017 Oct;11:1432-1440.e4; Pillai KKB et al. Clin Chim Acta, 2022 Feb;527:47-55; Rutkowska L et al. Genes (Basel), 2022 Jun;13:[ePub ahead of print]). This amino acid position is highly conserved in available vertebrate species. In addition, this alteration is predicted to be deleterious by in silico analysis. Since supporting evidence is limited at this time, the clinical significance of this alteration remains unclear.

Mendelics
Classification: Uncertain significance for Sitosterolemia 1. Last evaluated: 2019-05-28. Review status: criteria provided, single submitter. Criteria: Mendelics Assertion Criteria 2017. Collection method: clinical testing. Allele origin: unknown.

Eurofins Ntd Llc (ga)
Classification: Uncertain significance. Last evaluated: 2018-06-15. Review status: criteria provided, single submitter. Criteria: EGL ClinVar v180209 classification definitions. Collection method: clinical testing. Allele origin: germline. Observed: 8 variant alleles, 8 heterozygotes.

GeneDx
Classification: Uncertain significance. Last evaluated: 2018-05-24. Review status: criteria provided, single submitter. Criteria: GeneDx Variant Classification (06012015). Collection method: clinical testing. Allele origin: germline. Affected: yes.
Comment: The R198Q variant in the ABCG5 gene has not been reported previously as a pathogenic variant, nor as a benign variant, to our knowledge. The R198Q variant is observed in 276/126,586 (0.2%) alleles from individuals of non-Finnish European background in large population cohorts, and no individuals were reported to be homozygous (Lek et al., 2016). The R198Q variant is a semi-conservative amino acid substitution, which may impact secondary protein structure as these residues differ in some properties. In-silico analyses, including protein predictors and evolutionary conservation, support a deleterious effect. We interpret R198Q as a variant of uncertain significance.

Genetic Services Laboratory, University of Chicago
Classification: Uncertain significance. Last evaluated: 2017-06-19. Review status: criteria provided, single submitter. Criteria: ACMG Guidelines, 2015. Collection method: clinical testing. Allele origin: germline. Affected: no.

Illumina Laboratory Services, Illumina
Classification: Uncertain significance for Sitosterolemia 1. Last evaluated: 2017-04-27. Review status: criteria provided, single submitter. Criteria: ICSL Variant Classification Criteria 13 December 2019. Collection method: clinical testing. Allele origin: germline.

PreventionGenetics, part of Exact Sciences
Classification: Likely benign for ABCG5-related condition. Last evaluated: 2024-09-19. Review status: no assertion criteria provided. Collection method: clinical testing. Allele origin: germline. Not counted in ClinVar's aggregate classification.
Comment: This variant is classified as likely benign based on ACMG/AMP sequence variant interpretation guidelines (Richards et al. 2015 PMID: 25741868, with internal and published modifications).

Clinical Genetics, Academic Medical Center
Classification: Uncertain significance. Review status: no assertion criteria provided. Collection method: clinical testing. Allele origin: germline. Affected: yes. Study: VKGL Data-share Consensus. Not counted in ClinVar's aggregate classification.

Diagnostic Laboratory, Department of Genetics, University Medical Center Groningen
Classification: Uncertain significance. Review status: no assertion criteria provided. Collection method: clinical testing. Allele origin: germline. Affected: yes. Study: VKGL Data-share Consensus. Not counted in ClinVar's aggregate classification.

Literature cited by the submitters: PubMed 32041611 (cited by Women's Health and Genetics/Laboratory Corporation of America, LabCorp and Mayo Clinic Laboratories, Mayo Clinic); PubMed 35460704 (cited by Women's Health and Genetics/Laboratory Corporation of America, LabCorp and Mayo Clinic Laboratories, Mayo Clinic); PubMed 36648309 (cited by Women's Health and Genetics/Laboratory Corporation of America, LabCorp and Mayo Clinic Laboratories, Mayo Clinic); PubMed 29066094 (cited by 3 submitters); PubMed 34998859 (cited by Mayo Clinic Laboratories, Mayo Clinic and Ambry Genetics); PubMed 35741760 (cited by Mayo Clinic Laboratories, Mayo Clinic and Ambry Genetics).